The following is an entry in ClinVar:

ClinVar aggregate classification (germline): Uncertain significance. Review status: criteria provided, multiple submitters, no conflicts (2 of 4 stars). 4 submissions from 4 submitters: Uncertain significance (4). Last evaluated 2025-11-24.

Conditions:
Hereditary pheochromocytoma and paraganglioma. Also called: Hereditary pheochromocytoma-paraganglioma; Hereditary Paraganglioma-Pheochromocytoma Syndromes; Hereditary paragangliomas and pheochromocytomas. Identifiers: Orphanet 29072, MedGen C4274332, MONDO:0017366.
Hereditary cancer-predisposing syndrome. Also called: Neoplastic Syndromes, Hereditary; Tumor predisposition; Hereditary Cancer Syndrome; Hereditary neoplastic syndrome. Identifiers: Orphanet 140162, MedGen C0027672, MeSH D009386, MONDO:0015356.
Gastrointestinal stromal tumor. Also called: Gastrointestinal stromal tumor, somatic; Gastrointestinal stroma tumor. Identifiers: Orphanet 44890, MedGen C0238198, MeSH D046152, MONDO:0011719, OMIM 606764, HP:0100723.
Pheochromocytoma/paraganglioma syndrome 4. Also called: CAROTID BODY TUMORS AND MULTIPLE EXTRAADRENAL PHEOCHROMOCYTOMAS; SDHB-Related Hereditary Paraganglioma-Pheochromocytoma Syndrome (Paragangliomas 4); SDHB-Related Hereditary Paraganglioma-Pheochromocytoma Syndrome; PARAGANGLIOMA, FAMILIAL MALIGNANT; PARAGANGLIOMAS, HEREDITARY EXTRAADRENAL; PHEOCHROMOCYTOMA, FAMILIAL EXTRAADRENAL. Identifiers: Orphanet 29072, MedGen C1861848, MONDO:0007273, OMIM 115310.
Pheochromocytoma. Also called: MAX-Related Hereditary Paraganglioma-Pheochromocytoma Syndrome. Identifiers: Orphanet 29072, MedGen C0031511, MONDO:0008233, OMIM 171300, HP:0002666.

gnomAD v4.1: 1 of 1,614,144 alleles (0.000062%); highest among the groups gnomAD compares: Non-Finnish European, 0.000085%; no homozygotes.

Submissions (4):

Color Diagnostics, LLC DBA Color Health
Classification: Uncertain significance for Hereditary pheochromocytoma and paraganglioma. Last evaluated: 2025-11-24. Review status: criteria provided, single submitter. Criteria: ACMG Guidelines, 2015. Collection method: clinical testing. Allele origin: germline.
Comment: This missense variant replaces isoleucine with valine at codon 127 of the SDHB protein. Computational prediction is inconclusive regarding the impact of this variant on protein structure and function. This variant was reported as functional in a yeast-based complementation assay (PMID: 23175444). This variant has been reported in an individual affected with paraganglioma (PMID: 31492822). This variant has been identified in 1/1614144 chromosomes in the general population by the Genome Aggregation Database (gnomAD). The available evidence is insufficient to determine the role of this variant in disease conclusively. Therefore, this variant is classified as a Variant of Uncertain Significance.

Labcorp Genetics (formerly Invitae), Labcorp
Classification: Uncertain significance for Gastrointestinal stromal tumor; Pheochromocytoma/paraganglioma syndrome 4; Pheochromocytoma. Last evaluated: 2025-05-05. Review status: criteria provided, single submitter. Criteria: Invitae Variant Classification Sherloc (09022015). Collection method: clinical testing. Allele origin: germline.
Comment: This sequence change replaces isoleucine, which is neutral and non-polar, with valine, which is neutral and non-polar, at codon 127 of the SDHB protein (p.Ile127Val). This variant is not present in population databases (gnomAD no frequency). This missense change has been observed in individual(s) with paraganglioma (PMID: 31492822). ClinVar contains an entry for this variant (Variation ID: 858190). Invitae Evidence Modeling of protein sequence and biophysical properties (such as structural, functional, and spatial information, amino acid conservation, physicochemical variation, residue mobility, and thermodynamic stability) indicates that this missense variant is not expected to disrupt SDHB protein function with a negative predictive value of 80%. Experimental studies have shown that this missense change does not substantially affect SDHB function (PMID: 23175444). This variant disrupts the p.Ile127 amino acid residue in SDHB. Other variant(s) that disrupt this residue have been determined to be pathogenic (PMID: 15987702, 16916404, 19802898, 21820839, 25972245). This suggests that this residue is clinically significant, and that variants that disrupt this residue are likely to be disease-causing. In summary, the available evidence is currently insufficient to determine the role of this variant in disease. Therefore, it has been classified as a Variant of Uncertain Significance.

Baylor Genetics
Classification: Uncertain significance for Gastrointestinal stromal tumor. Last evaluated: 2023-11-28. Review status: criteria provided, single submitter. Criteria: ACMG Guidelines, 2015. Collection method: clinical testing. Allele origin: unknown.

Ambry Genetics
Classification: Uncertain significance for Hereditary cancer-predisposing syndrome. Last evaluated: 2023-06-29. Review status: criteria provided, single submitter. Criteria: Ambry Variant Classification Scheme 2023. Collection method: clinical testing. Allele origin: germline.
Comment: The p.I127V variant (also known as c.379A>G), located in coding exon 4 of the SDHB gene, results from an A to G substitution at nucleotide position 379. The isoleucine at codon 127 is replaced by valine, an amino acid with highly similar properties. In one yeast-based functional study, this alteration demonstrated function similar to wildtype (Panizza E et al. Hum Mol Genet, 2013 Feb;22:804-15). This alteration has been reported in an individual with pheochromocytoma and/or paraganglioma (Bayley JP et al. J Med Genet, 2020 Feb;57:96-103). This amino acid position is highly conserved in available vertebrate species. In addition, the in silico prediction for this alteration is inconclusive. Since supporting evidence is limited at this time, the clinical significance of this alteration remains unclear.

Literature cited by the submitters: PubMed 23175444 (cited by 3 submitters); PubMed 31492822 (cited by 3 submitters); PubMed 15987702 (cited by Labcorp Genetics (formerly Invitae), Labcorp); PubMed 16916404 (cited by Labcorp Genetics (formerly Invitae), Labcorp); PubMed 19802898 (cited by Labcorp Genetics (formerly Invitae), Labcorp); PubMed 21820839 (cited by Labcorp Genetics (formerly Invitae), Labcorp); PubMed 25972245 (cited by Labcorp Genetics (formerly Invitae), Labcorp).

NM_003000.3(SDHB):c.379A>G (p.Ile127Val)

Gene: SDHB (succinate dehydrogenase complex iron sulfur subunit B; minus strand). Cytogenetic location: 1p36.13.
Variant type: single nucleotide variant.
Coding change: c.379A>G on transcript NM_003000.3 (MANE Select); coding-DNA position 379, A replaced by G.
Protein change: p.Ile127Val; replaces isoleucine 127 with valine.
Molecular consequence: missense variant.
Genome position (GRCh38, 1-based): chr1:17,028,644, T>C on the plus strand (A>G on the coding strand, the complement: SDHB is on the minus strand). VCF-style: chr1-17028644-T-C. GRCh37 (hg19) VCF-style: chr1-17355139-T-C.
Other names: short protein forms I127V.
Identifiers: ClinVar variation 858190 (VCV000858190.11), dbSNP rs201372280, ClinGen allele CA338274355.